The following is an entry in ClinVar:

ClinVar aggregate classification (germline): Uncertain significance (1 of 4 stars; one submission).

gnomAD v4.1: 1 of 1,611,680 alleles (0.000062%); highest among the groups gnomAD compares: Non-Finnish European, 0.000085%; no homozygotes.

Submission:

Labcorp Genetics (formerly Invitae), Labcorp
Classification: Uncertain significance. Last evaluated: 2025-05-17. Review status: criteria provided, single submitter. Criteria: Invitae Variant Classification Sherloc (09022015). Collection method: clinical testing. Allele origin: germline.
Comment: This sequence change replaces asparagine, which is neutral and polar, with histidine, which is basic and polar, at codon 324 of the COL9A3 protein (p.Asn324His). This variant is not present in population databases (gnomAD no frequency). This variant has not been reported in the literature in individuals affected with COL9A3-related conditions. Invitae Evidence Modeling of protein sequence and biophysical properties (such as structural, functional, and spatial information, amino acid conservation, physicochemical variation, residue mobility, and thermodynamic stability) indicates that this missense variant is not expected to disrupt COL9A3 protein function with a negative predictive value of 95%. In summary, the available evidence is currently insufficient to determine the role of this variant in disease. Therefore, it has been classified as a Variant of Uncertain Significance.

NM_001853.4(COL9A3):c.970A>C (p.Asn324His)

Gene: COL9A3 (collagen type IX alpha 3 chain; plus strand). Cytogenetic location: 20q13.33.
Variant type: single nucleotide variant.
Coding change: c.970A>C on transcript NM_001853.4 (MANE Select); coding-DNA position 970, A replaced by C.
Protein change: p.Asn324His; replaces asparagine 324 with histidine.
Molecular consequence: missense variant.
Genome position (GRCh38, 1-based): chr20:62,828,938, A>C. VCF-style: chr20-62828938-A-C. GRCh37 (hg19) VCF-style: chr20-61460290-A-C.
Other names: short protein forms N324H.
Identifiers: ClinVar variation 4803137 (VCV004803137.1).